The following is an entry in ClinVar:

ClinVar aggregate classification (germline): Uncertain significance (1 of 4 stars; one submission).

Submission:

Labcorp Genetics (formerly Invitae), Labcorp
Classification: Uncertain significance. Last evaluated: 2023-04-07. Review status: criteria provided, single submitter. Criteria: Invitae Variant Classification Sherloc (09022015). Collection method: clinical testing. Allele origin: germline.
Comment: This variant has not been reported in the literature in individuals affected with ALPL-related conditions. In summary, the available evidence is currently insufficient to determine the role of this variant in disease. Therefore, it has been classified as a Variant of Uncertain Significance. This variant is not present in population databases (gnomAD no frequency). This variant, c.327_329dup, results in the insertion of 1 amino acid(s) of the ALPL protein (p.Ser110dup), but otherwise preserves the integrity of the reading frame.

NM_000478.6(ALPL):c.327_329dup (p.Ser110_Ala111insSer)

Gene: ALPL (alkaline phosphatase, biomineralization associated; plus strand). Cytogenetic location: 1p36.12.
Variant type: Duplication.
Coding change: c.327_329dup on transcript NM_000478.6 (MANE Select); coding-DNA positions 327 to 329, 3 bases duplicated (CAG; older notation c.327_329dupCAG).
Protein change: p.Ser110_Ala111insSer.
Molecular consequence: inframe insertion.
Genome position (GRCh38, 1-based): chr1:21,563,139-21,563,141, CAG duplicated. VCF-style (leftmost placement, unchanged base first): chr1-21563138-A-ACAG. GRCh37 (hg19) VCF-style: chr1-21889631-A-ACAG.
Other names: c.162_164dup, p.Ser55_Ala56insSer (NM_001127501.4); c.96_98dup, p.Ser33_Ala34insSer (NM_001177520.3); c.327_329dup, p.Ser110_Ala111insSer (NM_001369803.2, NM_001369804.2, NM_001369805.2).
Identifiers: ClinVar variation 2813432 (VCV002813432.3), dbSNP rs2545298673, ClinGen allele CA2739272369.